The following is an entry in ClinVar:

ClinVar aggregate classification (germline): Pathogenic. Review status: criteria provided, multiple submitters, no conflicts (2 of 4 stars). 2 submissions from 2 submitters: Pathogenic (2). Last evaluated 2024-07-01.

Conditions:
Methylmalonic acidemia (MMA). Also called: Isolated Methylmalonic Acidemia. Identifiers: MedGen C0268583, MeSH C537358, MONDO:0002012, HP:0002912.

Submissions (2):

Women's Health and Genetics/Laboratory Corporation of America, LabCorp
Classification: Pathogenic for Methylmalonic acidemia. Last evaluated: 2024-07-01. Review status: criteria provided, single submitter. Criteria: LabCorp Variant Classification Summary - May 2015. Collection method: clinical testing. Allele origin: germline.
Comment: Variant summary: MUT c.1885A>G (p.Arg629Gly) results in a non-conservative amino acid change located in the Cobalamin (vitamin B12)-binding domain (Cobalamin (vitamin B12)-binding domain) of the encoded protein sequence. Five of five in-silico tools predict a damaging effect of the variant on protein function. The variant was absent in 251328 control chromosomes. c.1885A>G has been reported in the literature in homozygous and compound heterozygous individuals affected with Methylmalonic Acidemia (Horster_2021, Forny_2023, Prez_2009). These data indicate that the variant is likely to be associated with disease. At least one publication reports experimental evidence evaluating an impact on protein function. The most pronounced variant effect results in inability of the mutant protein to restore the propionate oxidation pathway in MUT-knockout fibroblasts from a patient in a cell-based assay (Prez_2009). The following publications have been ascertained in the context of this evaluation (PMID: 36717752, 32754920, 19862841). ClinVar contains an entry for this variant (Variation ID: 203851). Based on the evidence outlined above, the variant was classified as pathogenic.

GeneDx
Classification: Pathogenic. Last evaluated: 2019-08-15. Review status: criteria provided, single submitter. Criteria: GeneDx Variant Classification Process June 2021. Collection method: clinical testing. Allele origin: germline. Affected: yes.
Comment: Not observed in large population cohorts (Lek et al., 2016); The majority of missense variants in this gene are considered pathogenic [(Stenson et al., 2014; other references)]; In silico analysis, which includes protein predictors and evolutionary conservation, supports a deleterious effect; This variant is associated with the following publications: (PMID: 19862841)

Literature cited by the submitters: PubMed 32754920 (cited by Women's Health and Genetics/Laboratory Corporation of America, LabCorp); PubMed 36717752 (cited by Women's Health and Genetics/Laboratory Corporation of America, LabCorp); PubMed 19862841 (cited by Women's Health and Genetics/Laboratory Corporation of America, LabCorp).

NM_000255.4(MMUT):c.1885A>G (p.Arg629Gly)

Gene: MMUT (methylmalonyl-CoA mutase; minus strand). Cytogenetic location: 6p12.3.
Variant type: single nucleotide variant.
Coding change: c.1885A>G on transcript NM_000255.4 (MANE Select); coding-DNA position 1885, A replaced by G.
Protein change: p.Arg629Gly; replaces arginine 629 with glycine.
Molecular consequence: missense variant.
Genome position (GRCh38, 1-based): chr6:49,440,277, T>C on the plus strand (A>G on the coding strand, the complement: MMUT is on the minus strand). VCF-style: chr6-49440277-T-C. GRCh37 (hg19) VCF-style: chr6-49407990-T-C.
Other names: p.R629G:AGA>GGA; short protein forms R629G.
Identifiers: ClinVar variation 203851 (VCV000203851.4), dbSNP rs796052004, ClinGen allele CA312771.
Genomic context (GRCh38, chr6:49,440,277, plus strand): 5'-GGCCTATGTCCACATCAAAACCAAGATCAGCAAATCCTGTAGCAATAACTTTTGCTCCTC[T>C]GTCATGGCCATCTTGTCCCATTTTTGCTACAAGAAGACGAGGTCTGCGACCTTCACGTTC-3'
Protein context (NP_000246.2, residues 619-639): VAKMGQDGHD[Arg629Gly]GAKVIATGFA